The following is an entry in ClinVar:

ClinVar aggregate classification (germline): Uncertain significance (1 of 4 stars; one submission).

Submission:

Ambry Genetics
Classification: Uncertain significance. Last evaluated: 2022-12-31. Review status: criteria provided, single submitter. Criteria: Ambry Variant Classification Scheme 2023. Collection method: clinical testing. Allele origin: germline.
Comment: The p.D83Y variant (also known as c.247G>T), located in coding exon 1 of the MLH3 gene, results from a G to T substitution at nucleotide position 247. The aspartic acid at codon 83 is replaced by tyrosine, an amino acid with highly dissimilar properties. This amino acid position is conserved. In addition, this alteration is predicted to be deleterious by in silico analysis. Since supporting evidence is limited at this time, the clinical significance of this alteration remains unclear.

NM_001040108.2(MLH3):c.247G>T (p.Asp83Tyr)

Gene: MLH3 (mutL homolog 3; minus strand). Cytogenetic location: 14q24.3.
Variant type: single nucleotide variant.
Coding change: c.247G>T on transcript NM_001040108.2 (MANE Select); coding-DNA position 247, G replaced by T.
Protein change: p.Asp83Tyr; replaces aspartic acid 83 with tyrosine.
Molecular consequence: missense variant.
Genome position (GRCh38, 1-based): chr14:75,049,409, C>A on the plus strand (G>T on the coding strand, the complement: MLH3 is on the minus strand). VCF-style: chr14-75049409-C-A. GRCh37 (hg19) VCF-style: chr14-75516112-C-A.
Other names: c.247G>T, p.Asp83Tyr (NM_014381.3); short protein forms D83Y.
Identifiers: ClinVar variation 2448639 (VCV002448639.2), dbSNP rs2139610185, ClinGen allele CA390451257.
Genomic context (GRCh38, chr14:75,049,409, plus strand): 5'-TGTCAGCAATATTTGCCAAGGCCTCTCCTCGGAAACCATAAAACCTTGGATTCTCCAAGT[C>A]CTGTACCGAGTGGCATTTACTGGTGAAATAACGATTTCCCACTTTCTCTACATCATCACT-3'
Protein context (NP_001035197.1, residues 73-93): YFTSKCHSVQ[Asp83Tyr]LENPRFYGFR